The following is an entry in ClinVar:

ClinVar aggregate classification (germline): Uncertain significance. Review status: criteria provided, multiple submitters, no conflicts (2 of 4 stars). 2 submissions from 2 submitters: Uncertain significance (2). Last evaluated 2025-11-04.

Conditions:
Inborn genetic diseases. Identifiers: MedGen C0950123, MeSH D030342.
Acute myeloid leukemia (AML). Also called: Leukemia, acute myeloid, somatic; Leukemia, acute myelogenous, somatic; Acute myeloid leukemia, adult; AML adult; Acute non-lymphocytic leukemia; Acute granulocytic leukemia. Identifiers: Orphanet 519, MedGen C0023467, MeSH D015470, MONDO:0018874, OMIM 601626, HP:0004808. Disease mechanism: Constitutively activated FLT3.

Allele frequency attached by ClinVar (database versions not stated): TOPMed below 0.00001; gnomAD 0.00001 and 0.00002; 1000 Genomes Project 30x 0.00031; 1000 Genomes Project 0.00040.
gnomAD v4.1: 3 of 1,595,078 alleles (0.00019%); highest among the groups gnomAD compares: East Asian, 0.0045%; no homozygotes.

Submissions (2):

Labcorp Genetics (formerly Invitae), Labcorp
Classification: Uncertain significance for Acute myeloid leukemia. Last evaluated: 2025-11-04. Review status: criteria provided, single submitter. Criteria: Invitae Variant Classification Sherloc (09022015). Collection method: clinical testing. Allele origin: germline.
Comment: This sequence change replaces alanine, which is neutral and non-polar, with glycine, which is neutral and non-polar, at codon 358 of the CEBPA protein (p.Ala358Gly). This variant is not present in population databases (gnomAD no frequency). This variant has not been reported in the literature in individuals affected with CEBPA-related conditions. ClinVar contains an entry for this variant (Variation ID: 1348150). An algorithm developed to predict the effect of missense changes on protein structure and function (PolyPhen-2) suggests that this variant is likely to be tolerated. In summary, the available evidence is currently insufficient to determine the role of this variant in disease. Therefore, it has been classified as a Variant of Uncertain Significance.

Ambry Genetics
Classification: Uncertain significance for Inborn genetic diseases. Last evaluated: 2025-05-08. Review status: criteria provided, single submitter. Criteria: Ambry Variant Classification Scheme 2023. Collection method: clinical testing. Allele origin: germline.
Comment: The p.A358G variant (also known as c.1073C>G), located in coding exon 1 of the CEBPA gene, results from a C to G substitution at nucleotide position 1073. The alanine at codon 358 is replaced by glycine, an amino acid with similar properties. This amino acid position is conserved. In addition, this alteration is predicted to be tolerated by in silico analysis. Based on the available evidence, the clinical significance of this variant remains unclear.

NM_004364.5(CEBPA):c.1073C>G (p.Ala358Gly)

Gene: CEBPA (CCAAT enhancer binding protein alpha; minus strand). Cytogenetic location: 19q13.11.
Variant type: single nucleotide variant.
Coding change: c.1073C>G on transcript NM_004364.5 (MANE Select); coding-DNA position 1073, C replaced by G.
Protein change: p.Ala358Gly; replaces alanine 358 with glycine.
Molecular consequence: missense variant.
Genome position (GRCh38, 1-based): chr19:33,301,342, G>C on the plus strand (C>G on the coding strand, the complement: CEBPA is on the minus strand). VCF-style: chr19-33301342-G-C. GRCh37 (hg19) VCF-style: chr19-33792248-G-C.
Other names: c.716C>G, p.Ala239Gly (NM_001285829.2); c.1178C>G, p.Ala393Gly (NM_001287424.2); c.1031C>G, p.Ala344Gly (NM_001287435.2); c.1073C>G (NM_004364.3); short protein forms A239G, A344G, A358G, A393G.
Identifiers: ClinVar variation 1348150 (VCV001348150.7), dbSNP rs577659401, ClinGen allele CA307844073.
Genomic context (GRCh38, chr19:33,301,342, plus strand): 5'-CCACTCCCTGGGTCCCCGCCGGAGGCTGGCCCAGGGCGGTCCCACAGCCGCGCGCCTCAC[G>C]CGCAGTTGCCCATGGCCTTGACCAAGGAGCTCTCTGGCAGCTGGCGGAAGATGCCCCGCA-3'
Protein context (NP_004355.2, residues 348-358): SSLVKAMGNC[Ala358Gly]